The following is an entry in ClinVar:

ClinVar aggregate classification (germline): Likely benign (1 of 4 stars; one submission).

Submission:

CeGaT Center for Human Genetics Tuebingen
Classification: Likely benign. Last evaluated: 2023-02-01. Review status: criteria provided, single submitter. Criteria: CeGaT Center For Human Genetics Tuebingen Variant Classification Criteria Version 2. Collection method: clinical testing. Allele origin: germline. Affected: yes. Observed: 1 variant allele.
Comment: DNASE1L1: PM2:Supporting, BP4, BP7

NM_001303620.2(DNASE1L1):c.90A>G (p.Thr30=)

Gene: DNASE1L1 (deoxyribonuclease 1 like 1; minus strand). Cytogenetic location: Xq28.
Variant type: single nucleotide variant.
Coding change: c.90A>G on transcript NM_001303620.2 (MANE Select); coding-DNA position 90, A replaced by G.
Protein change: p.Thr30=; no amino-acid change (threonine 30 retained).
Molecular consequence: synonymous variant.
Genome position (GRCh38, 1-based): chrX:154,405,479, T>C on the plus strand (A>G on the coding strand, the complement: DNASE1L1 is on the minus strand). VCF-style: chrX-154405479-T-C. GRCh37 (hg19) VCF-style: chrX-153633820-T-C.
Other names: c.90A>G, p.Thr30= (NM_001009932.3, NM_001009933.3, NM_001009934.3 and 1 more transcripts).
Identifiers: ClinVar variation 2661805 (VCV002661805.24), dbSNP rs782345809, ClinGen allele CA519276904.